The following is an entry in ClinVar:

NM_022041.4(GAN):c.282+223C>T

Gene: GAN (gigaxonin; plus strand). Cytogenetic location: 16q23.2.
Variant type: single nucleotide variant.
Coding change: c.282+223C>T on transcript NM_022041.4 (MANE Select); 223 bases into the intron after coding-DNA position 282, C replaced by T.
Molecular consequence: intron variant.
Genome position (GRCh38, 1-based): chr16:81,351,920, C>T. VCF-style: chr16-81351920-C-T. GRCh37 (hg19) VCF-style: chr16-81385525-C-T.
Other names: c.-357-2485C>T (NM_001377486.1).
Identifiers: ClinVar variation 680313 (VCV000680313.1), dbSNP rs9938148, ClinGen allele CA15865009.
Genomic context (GRCh38, chr16:81,351,920, plus strand): 5'-TGTTCTTCCATGGCTGTGCTCCTAGAGAAGCAGAGGAAGTAAGATCTTAGACTCAAATCT[C>T]AGTTTGTTGCTACCATTCTGAGCTCCACCTTCTCATATGAGATATTAAAGAACATGGGAT-3'

ClinVar aggregate classification (germline): Benign (1 of 4 stars; one submission).

Allele frequency attached by ClinVar (database versions not stated): 1000 Genomes Project 0.32208; 1000 Genomes Project 30x 0.32901; TOPMed 0.40836; gnomAD 0.40861 and 0.41322.
gnomAD v4.1: 62,179 of 152,006 alleles (41%); highest among the groups gnomAD compares: Middle Eastern, 54%; 13,395 homozygotes.

Submission:

GeneDx
Classification: Benign. Last evaluated: 2018-06-19. Review status: criteria provided, single submitter. Criteria: GeneDx Variant Classification (06012015). Collection method: clinical testing. Allele origin: germline. Affected: yes.
Comment: This variant is considered likely benign or benign based on one or more of the following criteria: it is a conservative change, it occurs at a poorly conserved position in the protein, it is predicted to be benign by multiple in silico algorithms, and/or has population frequency not consistent with disease.